The following is an entry in ClinVar:

ClinVar aggregate classification (germline): Uncertain significance (0 of 4 stars; one submission).

Conditions:
BBS10-related disorder. Also called: BBS10-related condition.

Submission:

PreventionGenetics, part of Exact Sciences
Classification: Uncertain significance for BBS10-related condition. Last evaluated: 2024-05-03. Review status: no assertion criteria provided. Collection method: clinical testing. Allele origin: germline.
Comment: The BBS10 c.735T>G variant is predicted to result in the amino acid substitution p.Phe245Leu. To our knowledge, this variant has not been reported in the literature or in a large population database, indicating this variant is rare. At this time, the clinical significance of this variant is uncertain due to the absence of conclusive functional and genetic evidence.

NM_024685.4(BBS10):c.735T>G (p.Phe245Leu)

Gene: BBS10 (Bardet-Biedl syndrome 10; minus strand). Cytogenetic location: 12q21.2.
Variant type: single nucleotide variant.
Coding change: c.735T>G on transcript NM_024685.4 (MANE Select); coding-DNA position 735, T replaced by G.
Protein change: p.Phe245Leu; replaces phenylalanine 245 with leucine.
Molecular consequence: missense variant.
Genome position (GRCh38, 1-based): chr12:76,347,250, A>C on the plus strand (T>G on the coding strand, the complement: BBS10 is on the minus strand). VCF-style: chr12-76347250-A-C. GRCh37 (hg19) VCF-style: chr12-76741030-A-C.
Other names: short protein forms F245L.
Identifiers: ClinVar variation 3346948 (VCV003346948.1).